The following is an entry in ClinVar:

ClinVar aggregate classification (germline): Uncertain significance (1 of 4 stars; one submission).

Conditions:
Bloom syndrome (BLM). Also called: Bloom-Torre-Machacek syndrome. Identifiers: Orphanet 125, MedGen C0005859, MONDO:0008876, OMIM 210900.

Submission:

Labcorp Genetics (formerly Invitae), Labcorp
Classification: Uncertain significance for Bloom syndrome. Last evaluated: 2022-03-01. Review status: criteria provided, single submitter. Criteria: Invitae Variant Classification Sherloc (09022015). Collection method: clinical testing. Allele origin: germline.
Comment: In summary, the available evidence is currently insufficient to determine the role of this variant in disease. Therefore, it has been classified as a Variant of Uncertain Significance. Algorithms developed to predict the effect of missense changes on protein structure and function are either unavailable or do not agree on the potential impact of this missense change (SIFT: "Tolerated"; PolyPhen-2: "Probably Damaging"; Align-GVGD: "Class C0"). This variant has not been reported in the literature in individuals affected with BLM-related conditions. This variant is not present in population databases (gnomAD no frequency). This sequence change replaces asparagine, which is neutral and polar, with aspartic acid, which is acidic and polar, at codon 782 of the BLM protein (p.Asn782Asp).

NM_000057.4(BLM):c.2344A>G (p.Asn782Asp)

Gene: BLM (BLM RecQ like helicase; plus strand). Cytogenetic location: 15q26.1.
Variant type: single nucleotide variant.
Coding change: c.2344A>G on transcript NM_000057.4 (MANE Select); coding-DNA position 2344, A replaced by G.
Protein change: p.Asn782Asp; replaces asparagine 782 with aspartic acid.
Molecular consequence: missense variant.
Genome position (GRCh38, 1-based): chr15:90,769,169, A>G. VCF-style: chr15-90769169-A-G. GRCh37 (hg19) VCF-style: chr15-91312399-A-G.
Other names: c.2344A>G, p.Asn782Asp (NM_001287246.2, NM_001287247.2); c.1219A>G, p.Asn407Asp (NM_001287248.2); short protein forms N782D, N407D.
Identifiers: ClinVar variation 2104955 (VCV002104955.4), dbSNP rs2505454381, ClinGen allele CA393845099.